The following is an entry in ClinVar:

Conditions:
Breast-ovarian cancer, familial, susceptibility to, 1 (BROVCA1). Also called: BRCA1 Hereditary Breast and Ovarian Cancer; OVARIAN CANCER, SUSCEPTIBILITY TO. Identifiers: Orphanet 145, MedGen C2676676, MONDO:0011450, OMIM 604370. Disease mechanism: loss of function.

Submission:

Brotman Baty Institute, University of Washington
No classification provided (evidence only). Condition: Breast-ovarian cancer, familial 1. Review status: no classification provided. Collection method: in vitro. Allele origin: not applicable. Functional consequence: functionally_abnormal.
ClinVar note: "not provided" was previously submitted as the classification for the variant. However, the classification appeared to be based only on an observation of functional data so it was converted to no classification on 2025-07-30.

NM_007294.4(BRCA1):c.5216A>C (p.Asp1739Ala)

Gene: BRCA1 (BRCA1 DNA repair associated; minus strand). Cytogenetic location: 17q21.31.
Variant type: single nucleotide variant.
Coding change: c.5216A>C on transcript NM_007294.4 (MANE Select); coding-DNA position 5216, A replaced by C.
Protein change: p.Asp1739Ala; replaces aspartic acid 1739 with alanine.
Molecular consequence: missense variant. On other transcripts: non-coding transcript variant (1).
Genome position (GRCh38, 1-based): chr17:43,057,113, T>G on the plus strand (A>C on the coding strand, the complement: BRCA1 is on the minus strand). VCF-style: chr17-43057113-T-G. GRCh37 (hg19) VCF-style: chr17-41209130-T-G.
Other names: c.5003A>C, p.Asp1668Ala (NM_001407571.1, NM_001407900.1, NM_001407902.1 and 12 more transcripts); c.5282A>C, p.Asp1761Ala (NM_001407581.1, NM_001407582.1); c.5279A>C, p.Asp1760Ala (NM_001407583.1, NM_001407585.1, NM_001407587.1 and 1 more transcripts); c.5213A>C, p.Asp1738Ala (NM_001407610.1, NM_001407611.1, NM_001407612.1 and 17 more transcripts); c.5210A>C, p.Asp1737Ala (NM_001407629.1, NM_001407630.1, NM_001407631.1 and 14 more transcripts); c.5156A>C, p.Asp1719Ala (NM_001407649.1); c.5138A>C, p.Asp1713Ala (NM_001407652.1, NM_001407653.1, NM_001407654.1 and 1 more transcripts); c.5135A>C, p.Asp1712Ala (NM_001407656.1, NM_001407657.1, NM_001407658.1); and 72 more; short protein forms D1739A, D1760A, D1692A, D635A, D1570A, D1627A, D1671A, D1695A.
Identifiers: ClinVar variation 867522 (VCV000867522.3), dbSNP rs80357227, ClinGen allele CA10591109.
Genomic context (GRCh38, chr17:43,057,113, plus strand): 5'-TTTCTGTCCTGGGATTCTCTTGCTCGCTTTGGACCTTGGTGGTTTCTTCCATTGACCACA[T>G]CTCCTCTGACTTCAAAATCATGCTGAAAGAAACCAAACACAACCCATCAGGATAAGAGAA-3'
Protein context (NP_009225.1, residues 1729-1749): LNEHDFEVRG[Asp1739Ala]VVNGRNHQGP